The following is an entry in ClinVar:

NM_177438.3(DICER1):c.4206+1G>T

Gene: DICER1 (dicer 1, ribonuclease III; minus strand). Cytogenetic location: 14q32.13.
Variant type: single nucleotide variant.
Coding change: c.4206+1G>T on transcript NM_177438.3 (MANE Select); the canonical splice donor site of the intron after coding-DNA position 4206, G replaced by T.
Molecular consequence: splice donor variant.
Genome position (GRCh38, 1-based): chr14:95,099,779, C>A on the plus strand (G>T on the coding strand, the complement: DICER1 is on the minus strand). VCF-style: chr14-95099779-C-A. GRCh37 (hg19) VCF-style: chr14-95566116-C-A.
Other names: c.4206+1G>T (NM_001291628.2, NM_030621.4, NM_001395677.1 and 12 more transcripts); c.3801+1G>T (NM_001395690.1, NM_001395687.1, NM_001395689.1 and 2 more transcripts); c.3924+1G>T (NM_001395686.1); c.3639+1G>T (NM_001395691.1); c.2523+1G>T (NM_001395697.1).
Identifiers: ClinVar variation 429136 (VCV000429136.14), dbSNP rs765059994, ClinGen allele CA390871673.

ClinVar aggregate classification (germline): Pathogenic/Likely pathogenic. Review status: criteria provided, multiple submitters, no conflicts (2 of 4 stars). 3 submissions from 3 submitters: Pathogenic (1); Likely pathogenic (2). Last evaluated 2021-07-15.

Conditions:
DICER1-related tumor predisposition. Also called: DICER1-related pleuropulmonary blastoma cancer predisposition syndrome; DICER1 syndrome. Identifiers: Orphanet 284343, MedGen C3839822, MONDO:0100216.
Hereditary cancer-predisposing syndrome. Also called: Hereditary neoplastic syndrome; Tumor predisposition; Neoplastic Syndromes, Hereditary; Hereditary Cancer Syndrome. Identifiers: Orphanet 140162, MedGen C0027672, MeSH D009386, MONDO:0015356.

Submissions (3):

Labcorp Genetics (formerly Invitae), Labcorp
Classification: Likely pathogenic for DICER1-related tumor predisposition. Last evaluated: 2021-07-15. Review status: criteria provided, single submitter. Criteria: Invitae Variant Classification Sherloc (09022015). Collection method: clinical testing. Allele origin: germline.
Comment: ClinVar contains an entry for this variant (Variation ID: 429136). In summary, the currently available evidence indicates that the variant is pathogenic, but additional data are needed to prove that conclusively. Therefore, this variant has been classified as Likely Pathogenic. Algorithms developed to predict the effect of sequence changes on RNA splicing suggest that this variant may disrupt the consensus splice site. This variant has not been reported in the literature in individuals affected with DICER1-related conditions. This variant is not present in population databases (ExAC no frequency). This sequence change affects a donor splice site in intron 22 of the DICER1 gene. It is expected to disrupt RNA splicing. Variants that disrupt the donor or acceptor splice site typically lead to a loss of protein function (PMID: 16199547), and loss-of-function variants in DICER1 are known to be pathogenic (PMID: 19556464, 21266384).

PreventionGenetics, part of Exact Sciences
Classification: Likely pathogenic. Last evaluated: 2016-03-24. Review status: criteria provided, single submitter. Criteria: ACMG Guidelines, 2015. Collection method: clinical testing. Allele origin: germline.

Ambry Genetics
Classification: Pathogenic for Hereditary cancer-predisposing syndrome. Last evaluated: 2015-06-26. Review status: criteria provided, single submitter. Criteria: Ambry Variant Classification Scheme 2023. Collection method: clinical testing. Allele origin: germline.
Comment: The c.4206+1G>T intronic pathogenic mutation results from a G to T one nucleotide after coding exon 21 of the DICER1 gene. Since alterations that disrupt the canonical splice donor site are typically deleterious in nature, this alteration is interpreted as a disease-causing mutation (ACMG Recommendations for Standards for Interpretation and Reporting of Sequence Variations. Revision 2007. Genet Med. 2008;10:294).

Literature cited by the submitters: PubMed 16199547 (cited by Labcorp Genetics (formerly Invitae), Labcorp); PubMed 19556464 (cited by Labcorp Genetics (formerly Invitae), Labcorp); PubMed 21266384 (cited by Labcorp Genetics (formerly Invitae), Labcorp).